The following is an entry in ClinVar:

ClinVar aggregate classification (germline): Conflicting classifications of pathogenicity. Review status: criteria provided, conflicting classifications (1 of 4 stars). 3 submissions from 3 submitters: Uncertain significance (2); Likely benign (1). Last evaluated 2026-01-05.

Conditions:
Hereditary pancreatitis (PCTT). Also called: Hereditary chronic pancreatitis; PRSS1-Related Hereditary Pancreatitis. Identifiers: Orphanet 676, MedGen C0238339, MONDO:0008185, OMIM 167800.

Allele frequency attached by ClinVar (database versions not stated): 1000 Genomes Project 0.00040; gnomAD exomes 0.00044 and 0.00115; 1000 Genomes Project 30x 0.00047; ExAC 0.00047; TOPMed 0.00060; gnomAD 0.00066 and 0.00068; ESP Exome Variant Server 0.00100.

Submissions (3):

Labcorp Genetics (formerly Invitae), Labcorp
Classification: Uncertain significance. Last evaluated: 2026-01-05. Review status: criteria provided, single submitter. Criteria: Invitae Variant Classification Sherloc (09022015). Collection method: clinical testing. Allele origin: germline.
Comment: This sequence change replaces glutamine, which is neutral and polar, with arginine, which is basic and polar, at codon 94 of the CPA1 protein (p.Gln94Arg). This variant is present in population databases (rs41274176, gnomAD 0.08%), and has an allele count higher than expected for a pathogenic variant. This missense change has been observed in individual(s) with pancreatitis (PMID: 23955596). ClinVar contains an entry for this variant (Variation ID: 821850). Invitae Evidence Modeling of protein sequence and biophysical properties (such as structural, functional, and spatial information, amino acid conservation, physicochemical variation, residue mobility, and thermodynamic stability) indicates that this missense variant is expected to disrupt CPA1 protein function with a positive predictive value of 80%. Experimental studies have shown that this missense change affects CPA1 function (PMID: 23955596). In summary, the available evidence is currently insufficient to determine the role of this variant in disease. Therefore, it has been classified as a Variant of Uncertain Significance.

Ambry Genetics
Classification: Uncertain significance for Hereditary pancreatitis. Last evaluated: 2025-03-26. Review status: criteria provided, single submitter. Criteria: Ambry Variant Classification Scheme 2023. Collection method: clinical testing. Allele origin: germline.

Sema4
Classification: Likely benign for Hereditary pancreatitis. Last evaluated: 2020-10-12. Review status: criteria provided, single submitter. Criteria: Sema4 Curation Guidelines. Collection method: curation. Allele origin: germline.

Literature cited by the submitters: PubMed 23955596 (cited by Labcorp Genetics (formerly Invitae), Labcorp).

NM_001868.4(CPA1):c.281A>G (p.Gln94Arg)

Gene: CPA1 (carboxypeptidase A1; plus strand). Cytogenetic location: 7q32.2.
Variant type: single nucleotide variant.
Coding change: c.281A>G on transcript NM_001868.4 (MANE Select); coding-DNA position 281, A replaced by G.
Protein change: p.Gln94Arg; replaces glutamine 94 with arginine.
Molecular consequence: missense variant.
Genome position (GRCh38, 1-based): chr7:130,381,763, A>G. VCF-style: chr7-130381763-A-G. GRCh37 (hg19) VCF-style: chr7-130021604-A-G.
Other names: short protein forms Q94R.
Identifiers: ClinVar variation 821850 (VCV000821850.15), dbSNP rs41274176, ClinGen allele CA4484742.